The following is an entry in ClinVar:

ClinVar aggregate classification (germline): Likely benign. Review status: criteria provided, multiple submitters, no conflicts (2 of 4 stars). 3 submissions from 3 submitters: Likely benign (2). 1 of the submissions does not count toward it. Last evaluated 2024-10-24.

Conditions:
CC2D2A-related disorder. Also called: CC2D2A-related disorders; CC2D2A-related condition. Identifiers: MedGen CN239313.
Joubert syndrome. Also called: Familial aplasia of the vermis; JOUBERT-BOLTSHAUSER SYNDROME. Identifiers: Orphanet 475, MedGen C5979921, MONDO:0018772.
Meckel-Gruber syndrome. Also called: Dysencephalia splachnocystica; DYSENCEPHALIA SPLANCHNOCYSTICA; GRUBER SYNDROME. Identifiers: Orphanet 564, MedGen C0265215, MONDO:0018921.

Allele frequency attached by ClinVar (database versions not stated): TOPMed below 0.00001; gnomAD 0.00001; gnomAD exomes 0.00001.
gnomAD v4.1: 22 of 1,598,652 alleles (0.0014%); highest among the groups gnomAD compares: Non-Finnish European, 0.0017%; no homozygotes.

Submissions (3):

Labcorp Genetics (formerly Invitae), Labcorp
Classification: Likely benign for Joubert syndrome; Meckel-Gruber syndrome. Last evaluated: 2024-10-24. Review status: criteria provided, single submitter. Criteria: Invitae Variant Classification Sherloc (09022015). Collection method: clinical testing. Allele origin: germline.

Blueprint Genetics
Classification: Likely benign. Last evaluated: 2021-04-13. Review status: criteria provided, single submitter. Criteria: ACMG Guidelines, 2015. Collection method: clinical testing. Allele origin: germline.

PreventionGenetics, part of Exact Sciences
Classification: Likely benign for CC2D2A-related condition. Last evaluated: 2024-01-03. Review status: no assertion criteria provided. Collection method: clinical testing. Allele origin: germline. Not counted in ClinVar's aggregate classification.
Comment: This variant is classified as likely benign based on ACMG/AMP sequence variant interpretation guidelines (Richards et al. 2015 PMID: 25741868, with internal and published modifications).

NM_001378615.1(CC2D2A):c.4287T>C (p.Asn1429=)

Genes: CC2D2A (coiled-coil and C2 domain containing 2A; plus strand), FBXL5 (F-box and leucine rich repeat protein 5; minus strand). Cytogenetic location: 4p15.32.
Variant type: single nucleotide variant.
Coding change: c.4287T>C on transcript NM_001378615.1 (MANE Select); coding-DNA position 4287, T replaced by C.
Protein change: p.Asn1429=; no amino-acid change (asparagine 1429 retained).
Molecular consequence: synonymous variant.
Genome position (GRCh38, 1-based): chr4:15,589,652, T>C. VCF-style: chr4-15589652-T-C. GRCh37 (hg19) VCF-style: chr4-15591275-T-C.
Other names: c.4287T>C, p.Asn1429= (NM_001080522.2); c.4140T>C, p.Asn1380= (NM_001378617.1).
Identifiers: ClinVar variation 1989278 (VCV001989278.7), dbSNP rs1260505834, ClinGen allele CA438390997.